The following is an entry in ClinVar:

ClinVar aggregate classification (germline): Uncertain significance (1 of 4 stars; one submission).

Conditions:
Hereditary cancer-predisposing syndrome. Also called: Neoplastic Syndromes, Hereditary; Tumor predisposition; Hereditary Cancer Syndrome; Hereditary neoplastic syndrome. Identifiers: Orphanet 140162, MedGen C0027672, MeSH D009386, MONDO:0015356.

Submission:

Ambry Genetics
Classification: Uncertain significance for Hereditary cancer-predisposing syndrome. Last evaluated: 2026-05-04. Review status: criteria provided, single submitter. Criteria: Ambry Variant Classification Scheme 2023. Collection method: clinical testing. Allele origin: germline.
Comment: The p.D1042G variant (also known as c.3125A>G), located in coding exon 22 of the MSH3 gene, results from an A to G substitution at nucleotide position 3125. The aspartic acid at codon 1042 is replaced by glycine, an amino acid with similar properties. This amino acid position is conserved. In addition, this alteration is predicted to be tolerated by in silico analysis. Based on the available evidence, the clinical significance of this variant remains unclear.

NM_002439.5(MSH3):c.3125A>G (p.Asp1042Gly)

Gene: MSH3 (mutS homolog 3; plus strand). Cytogenetic location: 5q14.1.
Variant type: single nucleotide variant.
Coding change: c.3125A>G on transcript NM_002439.5 (MANE Select); coding-DNA position 3125, A replaced by G.
Protein change: p.Asp1042Gly; replaces aspartic acid 1042 with glycine.
Molecular consequence: missense variant.
Genome position (GRCh38, 1-based): chr5:80,864,937, A>G. VCF-style: chr5-80864937-A-G. GRCh37 (hg19) VCF-style: chr5-80160756-A-G.
Other names: short protein forms D1042G.
Identifiers: ClinVar variation 4860347 (VCV004860347.1).
Genomic context (GRCh38, chr5:80,864,937, plus strand): 5'-CACACCAGGTGGGGAATTACCACATGGGATTCTTGGTCAGTGAGGATGAAAGCAAACTGG[A>G]TCCAGGTATGAAATATTCCTGCAGTTGGTACAAATATTGGTTTTCATGTTTGATAACTCA-3'
Protein context (NP_002430.3, residues 1032-1052): FLVSEDESKL[Asp1042Gly]PGAAEQVPDF